The following is an entry in ClinVar:

ClinVar aggregate classification (germline): Conflicting classifications of pathogenicity. Review status: criteria provided, conflicting classifications (1 of 4 stars). 2 submissions from 2 submitters: Uncertain significance (1); Likely benign (1). Last evaluated 2024-06-29.

Conditions:
Hereditary cancer-predisposing syndrome. Also called: Neoplastic Syndromes, Hereditary; Tumor predisposition; Hereditary neoplastic syndrome; Hereditary Cancer Syndrome. Identifiers: Orphanet 140162, MedGen C0027672, MeSH D009386, MONDO:0015356.
Familial adenomatous polyposis 1 (FAP1). Also called: POLYPOSIS, ADENOMATOUS INTESTINAL; FAMILIAL ADENOMATOUS POLYPOSIS 1, ATTENUATED. Identifiers: MedGen C2713442, MONDO:0021056, OMIM 175100. Disease mechanism: loss of function.

Allele frequency attached by ClinVar (database versions not stated): TOPMed below 0.00001; gnomAD 0.00001.
gnomAD v4.1: 1 of 1,612,756 alleles (0.000062%); highest among the groups gnomAD compares: Non-Finnish European, 0.000085%; no homozygotes.

Submissions (2):

Labcorp Genetics (formerly Invitae), Labcorp
Classification: Uncertain significance for Familial adenomatous polyposis 1. Last evaluated: 2024-06-29. Review status: criteria provided, single submitter. Criteria: Invitae Variant Classification Sherloc (09022015). Collection method: clinical testing. Allele origin: germline.
Comment: This sequence change replaces alanine, which is neutral and non-polar, with threonine, which is neutral and polar, at codon 1793 of the APC protein (p.Ala1793Thr). This variant is not present in population databases (gnomAD no frequency). This variant has not been reported in the literature in individuals affected with APC-related conditions. ClinVar contains an entry for this variant (Variation ID: 825684). Advanced modeling of protein sequence and biophysical properties (such as structural, functional, and spatial information, amino acid conservation, physicochemical variation, residue mobility, and thermodynamic stability) performed at Invitae indicates that this missense variant is not expected to disrupt APC protein function with a negative predictive value of 95%. In summary, the available evidence is currently insufficient to determine the role of this variant in disease. Therefore, it has been classified as a Variant of Uncertain Significance.

Ambry Genetics
Classification: Likely benign for Hereditary cancer-predisposing syndrome. Last evaluated: 2018-08-01. Review status: criteria provided, single submitter. Criteria: Ambry Variant Classification Scheme 2023. Collection method: clinical testing. Allele origin: germline.

NM_000038.6(APC):c.5377G>A (p.Ala1793Thr)

Gene: APC (APC regulator of Wnt signaling pathway; plus strand). Cytogenetic location: 5q22.2.
Variant type: single nucleotide variant.
Coding change: c.5377G>A on transcript NM_000038.6 (MANE Select); coding-DNA position 5377, G replaced by A.
Protein change: p.Ala1793Thr; replaces alanine 1793 with threonine.
Molecular consequence: missense variant.
Genome position (GRCh38, 1-based): chr5:112,840,971, G>A. VCF-style: chr5-112840971-G-A. GRCh37 (hg19) VCF-style: chr5-112176668-G-A.
Other names: c.5323G>A, p.Ala1775Thr (NM_001127511.3); c.5377G>A, p.Ala1793Thr (NM_001354895.2, NM_001127510.3); c.5302G>A, p.Ala1768Thr (NM_001354898.2); c.5293G>A, p.Ala1765Thr (NM_001354899.2); c.5200G>A, p.Ala1734Thr (NM_001354901.2); c.5431G>A, p.Ala1811Thr (NM_001354896.2); c.5254G>A, p.Ala1752Thr (NM_001354900.2); c.5407G>A, p.Ala1803Thr (NM_001354897.2); and 5 more; short protein forms A1510T, A1667T, A1793T, A1692T, A1702T, A1803T, A1633T, A1734T.
Identifiers: ClinVar variation 825684 (VCV000825684.6), dbSNP rs1472921765, ClinGen allele CA16033081.
Genomic context (GRCh38, chr5:112,840,971, plus strand): 5'-ACTTCACCAGTAAAACCTATACCACAAAATACTGAATATAGGACACGTGTAAGAAAAAAT[G>A]CAGACTCAAAAAATAATTTAAATGCTGAGAGAGTTTTCTCAGACAACAAAGATTCAAAGA-3'
Protein context (NP_000029.2, residues 1783-1803): TEYRTRVRKN[Ala1793Thr]DSKNNLNAER